The following is an entry in ClinVar:

NM_000875.5(IGF1R):c.1372G>A (p.Glu458Lys)

Gene: IGF1R (insulin like growth factor 1 receptor; plus strand). Cytogenetic location: 15q26.3.
Variant type: single nucleotide variant.
Coding change: c.1372G>A on transcript NM_000875.5 (MANE Select); coding-DNA position 1372, G replaced by A.
Protein change: p.Glu458Lys; replaces glutamic acid 458 with lysine.
Molecular consequence: missense variant.
Genome position (GRCh38, 1-based): chr15:98,908,809, G>A. VCF-style: chr15-98908809-G-A. GRCh37 (hg19) VCF-style: chr15-99452038-G-A.
Other names: c.1372G>A, p.Glu458Lys (NM_001291858.2); short protein forms E458K.
Identifiers: ClinVar variation 1307706 (VCV001307706.2), dbSNP rs771228557, ClinGen allele CA7752076.

ClinVar aggregate classification (germline): Uncertain significance (1 of 4 stars; one submission).

Allele frequency attached by ClinVar (database versions not stated): TOPMed below 0.00001; gnomAD 0.00001; gnomAD exomes 0.00001 and 0.00002; ExAC 0.00003.
gnomAD v4.1: 9 of 1,614,030 alleles (0.00056%); highest among the groups gnomAD compares: Admixed American, 0.005%; no homozygotes.

Submission:

GeneDx
Classification: Uncertain significance. Last evaluated: 2019-08-19. Review status: criteria provided, single submitter. Criteria: GeneDx Variant Classification Process June 2021. Collection method: clinical testing. Allele origin: germline. Affected: yes.
Comment: In silico analysis, which includes protein predictors and evolutionary conservation, supports a deleterious effect; Has not been previously published as pathogenic or benign to our knowledge